The following is an entry in ClinVar:

ClinVar aggregate classification (germline): Uncertain significance (1 of 4 stars; one submission).

Submission:

Labcorp Genetics (formerly Invitae), Labcorp
Classification: Uncertain significance. Last evaluated: 2022-04-12. Review status: criteria provided, single submitter. Criteria: Invitae Variant Classification Sherloc (09022015). Collection method: clinical testing. Allele origin: germline.
Comment: In summary, the available evidence is currently insufficient to determine the role of this variant in disease. Therefore, it has been classified as a Variant of Uncertain Significance. This variant disrupts the C-terminus of the ABCC6 protein. Other variant(s) that disrupt this region (p.Arg1461Profs*2, p.Lys1490*) have been observed in individuals with ABCC6-related conditions (PMID: 21179111, 34906475). This suggests that this may be a clinically significant region of the protein. Experimental studies and prediction algorithms are not available or were not evaluated, and the functional significance of this variant is currently unknown. This variant has not been reported in the literature in individuals affected with ABCC6-related conditions. This variant is not present in population databases (gnomAD no frequency). This sequence change creates a premature translational stop signal (p.Asp1433Thrfs*31) in the ABCC6 gene. While this is not anticipated to result in nonsense mediated decay, it is expected to disrupt the last 71 amino acid(s) of the ABCC6 protein.

Literature cited by the submitters: PubMed 21179111; PubMed 34906475.

NM_001171.6(ABCC6):c.4297del (p.Asp1433fs)

Gene: ABCC6 (ATP binding cassette subfamily C member 6; minus strand). Cytogenetic location: 16p13.11.
Variant type: Deletion.
Coding change: c.4297del on transcript NM_001171.6 (MANE Select); coding-DNA position 4297, one base deleted (G; older notation c.4297delG).
Protein change: p.Asp1433fs; shifts the reading frame from aspartic acid 1433.
Molecular consequence: frameshift variant. On other transcripts: non-coding transcript variant (1).
Genome position (GRCh38, 1-based): chr16:16,150,684, C deleted on the plus strand (G on the coding strand, the reverse complement: ABCC6 is on the minus strand); the first of 2 consecutive C bases (chr16:16,150,684-16,150,685); deleting either gives the same sequence. VCF-style (leftmost placement, unchanged base first): chr16-16150683-TC-T. GRCh37 (hg19) VCF-style: chr16-16244540-TC-T.
Other names: c.3955del, p.Asp1319fs (NM_001351800.1); short protein forms D1319fs, D1433fs.
Identifiers: ClinVar variation 2125085 (VCV002125085.4), dbSNP rs2510946480, ClinGen allele CA2580090786.